The following is an entry in ClinVar:

ClinVar aggregate classification (germline): Uncertain significance. Review status: criteria provided, multiple submitters, no conflicts (2 of 4 stars). 2 submissions from 2 submitters: Uncertain significance (2). Last evaluated 2024-07-31.

Conditions:
Inborn genetic diseases. Identifiers: MedGen C0950123, MeSH D030342.

Allele frequency attached by ClinVar (database versions not stated): gnomAD exomes below 0.00001; TOPMed 0.00002; ExAC 0.00003; gnomAD 0.00003.
gnomAD v4.1: 11 of 1,583,154 alleles (0.00069%); highest among the groups gnomAD compares: African/African-American, 0.013%; no homozygotes.

Submissions (2):

Ambry Genetics
Classification: Uncertain significance for Inborn genetic diseases. Last evaluated: 2024-07-31. Review status: criteria provided, single submitter. Criteria: Ambry Variant Classification Scheme 2023. Collection method: clinical testing. Allele origin: germline.

Labcorp Genetics (formerly Invitae), Labcorp
Classification: Uncertain significance. Last evaluated: 2022-06-13. Review status: criteria provided, single submitter. Criteria: Invitae Variant Classification Sherloc (09022015). Collection method: clinical testing. Allele origin: germline.
Comment: This sequence change replaces arginine, which is basic and polar, with serine, which is neutral and polar, at codon 37 of the ALDH3A2 protein (p.Arg37Ser). This variant is not present in population databases (gnomAD no frequency). This variant has not been reported in the literature in individuals affected with ALDH3A2-related conditions. Advanced modeling of protein sequence and biophysical properties (such as structural, functional, and spatial information, amino acid conservation, physicochemical variation, residue mobility, and thermodynamic stability) performed at Invitae indicates that this missense variant is not expected to disrupt ALDH3A2 protein function. In summary, the available evidence is currently insufficient to determine the role of this variant in disease. Therefore, it has been classified as a Variant of Uncertain Significance.

NM_000382.3(ALDH3A2):c.109C>A (p.Arg37Ser)

Gene: ALDH3A2 (aldehyde dehydrogenase 3 family member A2; plus strand). Cytogenetic location: 17p11.2.
Variant type: single nucleotide variant.
Coding change: c.109C>A on transcript NM_000382.3 (MANE Select); coding-DNA position 109, C replaced by A.
Protein change: p.Arg37Ser; replaces arginine 37 with serine.
Molecular consequence: missense variant. On other transcripts: 5 prime UTR variant (1).
Genome position (GRCh38, 1-based): chr17:19,649,080, C>A. VCF-style: chr17-19649080-C-A. GRCh37 (hg19) VCF-style: chr17-19552393-C-A.
Other names: c.109C>A, p.Arg37Ser (NM_001031806.2, NM_001369136.1, NM_001369137.2 and 3 more transcripts); c.-580C>A (NM_001369148.2); c.109C>A (NM_000382.2); short protein forms R37S.
Identifiers: ClinVar variation 1433374 (VCV001433374.4), dbSNP rs745576009, ClinGen allele CA8442720.